The following is an entry in ClinVar:

ClinVar aggregate classification (germline): Uncertain significance (1 of 4 stars; one submission).

Conditions:
Propionic acidemia (PROP). Also called: GLYCINEMIA, KETOTIC; HYPERGLYCINEMIA WITH KETOACIDOSIS AND LEUKOPENIA; KETOTIC HYPERGLYCINEMIA. Identifiers: Orphanet 35, MedGen C0268579, MONDO:0011628, OMIM 606054, HP:0003571.

Allele frequency attached by ClinVar (database versions not stated): gnomAD 0.00001.

Submission:

Labcorp Genetics (formerly Invitae), Labcorp
Classification: Uncertain significance for Propionic acidemia. Last evaluated: 2022-05-05. Review status: criteria provided, single submitter. Criteria: Invitae Variant Classification Sherloc (09022015). Collection method: clinical testing. Allele origin: germline.
Comment: This sequence change replaces aspartic acid, which is acidic and polar, with alanine, which is neutral and non-polar, at codon 240 of the PCCA protein (p.Asp240Ala). This variant is not present in population databases (gnomAD no frequency). This variant has not been reported in the literature in individuals affected with PCCA-related conditions. Algorithms developed to predict the effect of missense changes on protein structure and function are either unavailable or do not agree on the potential impact of this missense change (SIFT: "Deleterious"; PolyPhen-2: "Benign"; Align-GVGD: "Class C0"). In summary, the available evidence is currently insufficient to determine the role of this variant in disease. Therefore, it has been classified as a Variant of Uncertain Significance.

NM_000282.4(PCCA):c.719A>C (p.Asp240Ala)

Gene: PCCA (propionyl-CoA carboxylase subunit alpha; plus strand). Cytogenetic location: 13q32.3.
Variant type: single nucleotide variant.
Coding change: c.719A>C on transcript NM_000282.4 (MANE Select); coding-DNA position 719, A replaced by C.
Protein change: p.Asp240Ala; replaces aspartic acid 240 with alanine.
Molecular consequence: missense variant. On other transcripts: 5 prime UTR variant (3), non-coding transcript variant (5).
Genome position (GRCh38, 1-based): chr13:100,262,731, A>C. VCF-style: chr13-100262731-A-C. GRCh37 (hg19) VCF-style: chr13-100914985-A-C.
Other names: c.641A>C, p.Asp214Ala (NM_001127692.3, NM_001352607.2, NM_001352608.2); c.719A>C, p.Asp240Ala (NM_001178004.2, NM_001352605.2, NM_001352606.2 and 1 more transcripts); c.-227A>C (NM_001352610.2, NM_001352611.2, NM_001352612.2); short protein forms D214A, D240A.
Identifiers: ClinVar variation 1938915 (VCV001938915.2), dbSNP rs2062611433, ClinGen allele CA388694214.
Genomic context (GRCh38, chr13:100,262,731, plus strand): 5'-CCCCTTCCCCTTCCCCTCCCTCTCCCCCCCTCCTCCTTCTTCCTTCTTTTTTTCACAGGG[A>C]TGGTTTTAGATTGTCATCTCAAGAAGCTGCTTCTAGTTTTGGCGATGATAGACTACTAAT-3'
Protein context (NP_000273.2, residues 230-250): RIAWDDEETR[Asp240Ala]GFRLSSQEAA